The following is an entry in ClinVar:

NM_006440.5(TXNRD2):c.592-20G>C

Gene: TXNRD2 (thioredoxin reductase 2; minus strand). Cytogenetic location: 22q11.21.
Variant type: single nucleotide variant.
Coding change: c.592-20G>C on transcript NM_006440.5 (MANE Select); 20 bases into the intron before coding-DNA position 592, G replaced by C.
Molecular consequence: intron variant.
Genome position (GRCh38, 1-based): chr22:19,911,467, C>G on the plus strand (G>C on the coding strand, the complement: TXNRD2 is on the minus strand). VCF-style: chr22-19911467-C-G. GRCh37 (hg19) VCF-style: chr22-19898990-C-G.
Other names: c.589-20G>C (NM_001352300.2); c.304-20G>C (NM_001352302.2); c.502-20G>C (NM_001352301.2); c.592-20G>C (NM_001282512.3); c.496-20G>C (NM_001352303.2).
Identifiers: ClinVar variation 512509 (VCV000512509.1), dbSNP rs1555911999, ClinGen allele CA658799486.

ClinVar aggregate classification (germline): Likely benign (1 of 4 stars; one submission).

Submission:

GeneDx
Classification: Likely benign. Last evaluated: 2017-10-03. Review status: criteria provided, single submitter. Criteria: GeneDx Variant Classification (06012015). Collection method: clinical testing. Allele origin: germline. Affected: yes.
Comment: This variant is considered likely benign or benign based on one or more of the following criteria: it is a conservative change, it occurs at a poorly conserved position in the protein, it is predicted to be benign by multiple in silico algorithms, and/or has population frequency not consistent with disease.